The following is an entry in ClinVar:

NM_000452.3(SLC10A2):c.540G>C (p.Met180Ile)

Gene: SLC10A2 (solute carrier family 10 member 2; minus strand). Cytogenetic location: 13q33.1.
Variant type: single nucleotide variant.
Coding change: c.540G>C on transcript NM_000452.3 (MANE Select); coding-DNA position 540, G replaced by C.
Protein change: p.Met180Ile; replaces methionine 180 with isoleucine.
Molecular consequence: missense variant.
Genome position (GRCh38, 1-based): chr13:103,052,665, C>G on the plus strand (G>C on the coding strand, the complement: SLC10A2 is on the minus strand). VCF-style: chr13-103052665-C-G. GRCh37 (hg19) VCF-style: chr13-103705015-C-G.
Other names: short protein forms M180I.
Identifiers: ClinVar variation 2050121 (VCV002050121.4), dbSNP rs200930322, ClinGen allele CA255205589.

ClinVar aggregate classification (germline): Uncertain significance (1 of 4 stars; one submission).

Allele frequency attached by ClinVar (database versions not stated): gnomAD 0.00003.

Submission:

Labcorp Genetics (formerly Invitae), Labcorp
Classification: Uncertain significance. Last evaluated: 2025-03-13. Review status: criteria provided, single submitter. Criteria: Invitae Variant Classification Sherloc (09022015). Collection method: clinical testing. Allele origin: germline.
Comment: This sequence change replaces methionine, which is neutral and non-polar, with isoleucine, which is neutral and non-polar, at codon 180 of the SLC10A2 protein (p.Met180Ile). This variant is present in population databases (rs200930322, gnomAD 0.007%). This variant has not been reported in the literature in individuals affected with SLC10A2-related conditions. ClinVar contains an entry for this variant (Variation ID: 2050121). Invitae Evidence Modeling of protein sequence and biophysical properties (such as structural, functional, and spatial information, amino acid conservation, physicochemical variation, residue mobility, and thermodynamic stability) indicates that this missense variant is not expected to disrupt SLC10A2 protein function with a negative predictive value of 80%. In summary, the available evidence is currently insufficient to determine the role of this variant in disease. Therefore, it has been classified as a Variant of Uncertain Significance.